The following is an entry in ClinVar:

ClinVar aggregate classification (germline): Uncertain significance (1 of 4 stars; one submission).

Conditions:
Xeroderma pigmentosum, group F (XPF). Also called: XERODERMA PIGMENTOSUM, COMPLEMENTATION GROUP F; XERODERMA PIGMENTOSUM VI; XP, GROUP F; ERCC4-Related Xeroderma Pigmentosum; XERODERMA PIGMENTOSUM, TYPE F; Xeroderma pigmentosum, type 6. Identifiers: MedGen C0268140, MONDO:0010215, OMIM 278760.
Fanconi anemia complementation group Q. Identifiers: Orphanet 84, MedGen C3808988, MONDO:0014108, OMIM 615272.
Cockayne syndrome. Identifiers: Orphanet 191, MedGen C0009207, MONDO:0016006.

Submission:

Labcorp Genetics (formerly Invitae), Labcorp
Classification: Uncertain significance for Fanconi anemia complementation group Q; Xeroderma pigmentosum, group F; Cockayne syndrome. Last evaluated: 2025-03-21. Review status: criteria provided, single submitter. Criteria: Invitae Variant Classification Sherloc (09022015). Collection method: clinical testing. Allele origin: germline.
Comment: This sequence change replaces glycine, which is neutral and non-polar, with aspartic acid, which is acidic and polar, at codon 703 of the ERCC4 protein (p.Gly703Asp). This variant is not present in population databases (gnomAD no frequency). This variant has not been reported in the literature in individuals affected with ERCC4-related conditions. Invitae Evidence Modeling of protein sequence and biophysical properties (such as structural, functional, and spatial information, amino acid conservation, physicochemical variation, residue mobility, and thermodynamic stability) indicates that this missense variant is expected to disrupt ERCC4 protein function with a positive predictive value of 80%. In summary, the available evidence is currently insufficient to determine the role of this variant in disease. Therefore, it has been classified as a Variant of Uncertain Significance.

NM_005236.3(ERCC4):c.2108G>A (p.Gly703Asp)

Gene: ERCC4 (ERCC excision repair 4, endonuclease catalytic subunit; plus strand). Cytogenetic location: 16p13.12.
Variant type: single nucleotide variant.
Coding change: c.2108G>A on transcript NM_005236.3 (MANE Select); coding-DNA position 2108, G replaced by A.
Protein change: p.Gly703Asp; replaces glycine 703 with aspartic acid.
Molecular consequence: missense variant.
Genome position (GRCh38, 1-based): chr16:13,947,704, G>A. VCF-style: chr16-13947704-G-A. GRCh37 (hg19) VCF-style: chr16-14041561-G-A.
Other names: short protein forms G703D.
Identifiers: ClinVar variation 4792505 (VCV004792505.1).